The following is an entry in ClinVar:

NM_004360.5(CDH1):c.54C>A (p.Ser18=)

Gene: CDH1 (cadherin 1; plus strand). Cytogenetic location: 16q22.1.
Variant type: single nucleotide variant.
Coding change: c.54C>A on transcript NM_004360.5 (MANE Select); coding-DNA position 54, C replaced by A.
Protein change: p.Ser18=; no amino-acid change (serine 18 retained).
Molecular consequence: synonymous variant. On other transcripts: 5 prime UTR variant (2).
Genome position (GRCh38, 1-based): chr16:68,738,302, C>A. VCF-style: chr16-68738302-C-A. GRCh37 (hg19) VCF-style: chr16-68772205-C-A.
Other names: c.54C>A, p.Ser18= (NM_001317184.2); c.-1562C>A (NM_001317185.2); c.-1766C>A (NM_001317186.2).
Identifiers: ClinVar variation 3379060 (VCV003379060.1).

ClinVar aggregate classification (germline): Benign (1 of 4 stars; one submission).

Conditions:
Hereditary diffuse gastric adenocarcinoma (HDGC). Also called: DIFFUSE GASTRIC AND LOBULAR BREAST CANCER SYNDROME. Identifiers: Orphanet 26106, MedGen C1708349, MONDO:0007648, OMIM 137215.

Submission:

Myriad Genetics, Inc.
Classification: Benign for Hereditary diffuse gastric adenocarcinoma. Last evaluated: 2024-09-11. Review status: criteria provided, single submitter. Criteria: Myriad Autosomal Dominant, Autosomal Recessive and X-Linked Classification Criteria (2023). Collection method: clinical testing. Allele origin: unknown.
Comment: This variant is considered benign. This variant is a silent/synonymous amino acid change and it is not expected to impact splicing.